The following is an entry in ClinVar:

NM_001127511.3(APC):c.-110C>T

Gene: APC (APC regulator of Wnt signaling pathway; plus strand). Cytogenetic location: 5q22.2.
Variant type: single nucleotide variant.
Coding change: c.-110C>T on transcript NM_001127511.3; 110 bases upstream of the start codon, C replaced by T.
Molecular consequence: 5 prime UTR variant. On other transcripts: non-coding transcript variant (2).
Genome position (GRCh38, 1-based): chr5:112,707,608, C>T. VCF-style: chr5-112707608-C-T. GRCh37 (hg19) VCF-style: chr5-112043305-C-T.
Other names: c.-293C>T (NM_001354895.2, NM_001407447.1, NM_001407452.1 and 3 more transcripts); c.-110C>T (NM_001354897.2, NM_001354902.2, NM_001407446.1); c.-60C>T (NM_001407448.1, NM_001407450.1, NM_001407457.1 and 1 more transcripts); c.-84C>T (NM_001407453.1); c.-1328C>T (NM_001407470.1, NM_001407472.1).
Identifiers: ClinVar variation 537600 (VCV000537600.9), dbSNP rs1029692674, ClinGen allele CA124925027.

ClinVar aggregate classification (germline): Uncertain significance (1 of 4 stars; one submission).

Conditions:
Familial adenomatous polyposis 1 (FAP1). Also called: FAMILIAL ADENOMATOUS POLYPOSIS 1, ATTENUATED; POLYPOSIS, ADENOMATOUS INTESTINAL. Identifiers: MedGen C2713442, MONDO:0021056, OMIM 175100. Disease mechanism: loss of function.

Allele frequency attached by ClinVar (database versions not stated): TOPMed 0.00002; gnomAD 0.00001 and 0.00003.
gnomAD v4.1: 23 of 1,212,844 alleles (0.0019%); highest among the groups gnomAD compares: South Asian, 0.0026%; no homozygotes.

Submission:

Labcorp Genetics (formerly Invitae), Labcorp
Classification: Uncertain significance for Familial adenomatous polyposis 1. Last evaluated: 2025-01-17. Review status: criteria provided, single submitter. Criteria: Invitae Variant Classification Sherloc (09022015). Collection method: clinical testing. Allele origin: germline.
Comment: This variant occurs in a non-coding region of the APC gene. It does not change the encoded amino acid sequence of the APC protein. This variant is present in population databases (no rsID available, gnomAD 0.007%). This variant has not been reported in the literature in individuals affected with APC-related conditions. ClinVar contains an entry for this variant (Variation ID: 537600). Experimental studies and prediction algorithms are not available or were not evaluated, and the functional significance of this variant is currently unknown. In summary, the available evidence is currently insufficient to determine the role of this variant in disease. Therefore, it has been classified as a Variant of Uncertain Significance.